The following is an entry in ClinVar:

NM_017934.7(PHIP):c.*7C>T

Genes: IRAK1BP1 (interleukin 1 receptor associated kinase 1 binding protein 1; plus strand), PHIP (PHIP subunit of CUL4-Ring ligase complex; minus strand). Cytogenetic location: 6q14.1.
Variant type: single nucleotide variant.
Coding change: c.*7C>T on transcript NM_017934.7 (MANE Select); 7 bases downstream of the stop codon, C replaced by T.
Molecular consequence: 3 prime UTR variant.
Genome position (GRCh38, 1-based): chr6:78,940,686, G>A on the plus strand (C>T on the coding strand, the complement: PHIP is on the minus strand). VCF-style: chr6-78940686-G-A. GRCh37 (hg19) VCF-style: chr6-79650403-G-A.
Identifiers: ClinVar variation 3353644 (VCV003353644.1).

ClinVar aggregate classification (germline): Likely benign (0 of 4 stars; one submission).

Conditions:
PHIP-related disorder. Also called: PHIP-related condition; PHIP-related disorders.

Submission:

PreventionGenetics, part of Exact Sciences
Classification: Likely benign for PHIP-related condition. Last evaluated: 2022-08-30. Review status: no assertion criteria provided. Collection method: clinical testing. Allele origin: germline.
Comment: This variant is classified as likely benign based on ACMG/AMP sequence variant interpretation guidelines (Richards et al. 2015 PMID: 25741868, with internal and published modifications).